The following is an entry in ClinVar:

NM_015178.3(RHOBTB2):c.1502-6G>C

Gene: RHOBTB2 (Rho related BTB domain containing 2; plus strand). Cytogenetic location: 8p21.3.
Variant type: single nucleotide variant.
Coding change: c.1502-6G>C on transcript NM_015178.3 (MANE Select); 6 bases into the intron before coding-DNA position 1502, G replaced by C.
Molecular consequence: intron variant.
Genome position (GRCh38, 1-based): chr8:23,007,987, G>C. VCF-style: chr8-23007987-G-C. GRCh37 (hg19) VCF-style: chr8-22865500-G-C.
Other names: c.1568-6G>C (NM_001160036.1, NM_001160036.2); c.1523-6G>C (NM_001160037.2); c.1502-6G>C (NM_001374791.1).
Identifiers: ClinVar variation 1979128 (VCV001979128.5), dbSNP rs1273344545, ClinGen allele CA459952958.

ClinVar aggregate classification (germline): Conflicting classifications of pathogenicity. Review status: criteria provided, conflicting classifications (1 of 4 stars). 2 submissions from 2 submitters: Uncertain significance (1); Likely benign (1). Last evaluated 2024-10-20.

Conditions:
Inborn genetic diseases. Identifiers: MedGen C0950123, MeSH D030342.

Allele frequency attached by ClinVar (database versions not stated): TOPMed below 0.00001; gnomAD 0.00001; gnomAD exomes 0.00002.
gnomAD v4.1: 35 of 1,612,078 alleles (0.0022%); highest among the groups gnomAD compares: Non-Finnish European, 0.0029%; no homozygotes.

Submissions (2):

Labcorp Genetics (formerly Invitae), Labcorp
Classification: Likely benign. Last evaluated: 2024-10-20. Review status: criteria provided, single submitter. Criteria: Invitae Variant Classification Sherloc (09022015). Collection method: clinical testing. Allele origin: germline.

Ambry Genetics
Classification: Uncertain significance for Inborn genetic diseases. Last evaluated: 2024-05-07. Review status: criteria provided, single submitter. Criteria: Ambry Variant Classification Scheme 2023. Collection method: clinical testing. Allele origin: germline.
Comment: The c.1568-6G>C intronic alteration consists of a G to C substitution 6 nucleotides before coding exon 6 in the RHOBTB2 gene. Based on insufficient or conflicting evidence, the clinical significance of this alteration remains unclear.